The following is an entry in ClinVar:

ClinVar aggregate classification (germline): Likely benign (1 of 4 stars; one submission).

gnomAD v4.1: 143 of 1,544,022 alleles (0.0093%); highest among the groups gnomAD compares: East Asian, 0.017%; no homozygotes.

Submission:

Mayo Clinic Laboratories, Mayo Clinic
Classification: Likely benign. Last evaluated: 2025-08-12. Review status: criteria provided, single submitter. Criteria: ACMG Guidelines, 2015. Collection method: clinical testing. Allele origin: germline. Observed: 1 variant allele.
Comment: BP4, BP7

NM_001142864.4(PIEZO1):c.4317G>A (p.Ser1439=)

Gene: PIEZO1 (piezo type mechanosensitive ion channel component 1 (Er blood group); minus strand). Cytogenetic location: 16q24.3.
Variant type: single nucleotide variant.
Coding change: c.4317G>A on transcript NM_001142864.4 (MANE Select); coding-DNA position 4317, G replaced by A.
Protein change: p.Ser1439=; no amino-acid change (serine 1439 retained).
Molecular consequence: synonymous variant.
Genome position (GRCh38, 1-based): chr16:88,723,889, C>T on the plus strand (G>A on the coding strand, the complement: PIEZO1 is on the minus strand). VCF-style: chr16-88723889-C-T. GRCh37 (hg19) VCF-style: chr16-88790297-C-T.
Other names: p.Ser1439=.
Identifiers: ClinVar variation 4684140 (VCV004684140.1).